The following is an entry in ClinVar:

ClinVar aggregate classification (germline): Uncertain significance. Review status: criteria provided, multiple submitters, no conflicts (2 of 4 stars). 2 submissions from 2 submitters: Uncertain significance (2). Last evaluated 2026-01-20.

Conditions:
Inborn genetic diseases. Identifiers: MedGen C0950123, MeSH D030342.

Submissions (2):

Ambry Genetics
Classification: Uncertain significance for Inborn genetic diseases. Last evaluated: 2026-01-20. Review status: criteria provided, single submitter. Criteria: Ambry Variant Classification Scheme 2023. Collection method: clinical testing. Allele origin: germline.
Comment: The c.7116_7118delTAA (p.N2372del) alteration is located in exon 36 (coding exon 36) of the CHD8 gene. This alteration consists of an in-frame deletion of 3 nucleotides between nucleotide positions c.7116 and c.7118, resulting in the deletion of 1 residue. This variant was not reported in population-based cohorts in the Genome Aggregation Database (gnomAD). Based on insufficient or conflicting evidence, the clinical significance of this alteration remains unclear.

GeneDx
Classification: Uncertain significance. Last evaluated: 2024-03-18. Review status: criteria provided, single submitter. Criteria: GeneDx Variant Classification Process June 2021. Collection method: clinical testing. Allele origin: germline. Affected: yes.
Comment: Not observed in large population cohorts (gnomAD); In-frame deletion of 1 amino acid in a non-repeat region; In silico analysis supports a deleterious effect on protein structure/function; Has not been previously published as pathogenic or benign to our knowledge

NM_001170629.2(CHD8):c.7113TAA[1] (p.Asn2372del)

Gene: CHD8 (chromodomain helicase DNA binding protein 8; minus strand). Cytogenetic location: 14q11.2.
Variant type: Microsatellite.
Coding change: c.7113TAA[1] on transcript NM_001170629.2 (MANE Select); one copy of the 3-base unit TAA starting at c.7113; the reference has two copies in a row; one copy, 3 bases deleted.
Protein change: p.Asn2372del; deletes asparagine 2372.
Molecular consequence: inframe deletion.
Genome position (GRCh38, 1-based): chr14:21,391,011-21,391,013, TTA deleted on the plus strand (TAA on the coding strand, the reverse complement: CHD8 is on the minus strand); deleting any 3 consecutive bases within chr14:21,391,011-21,391,018 gives the same sequence; the position shown is the placement nearest the transcript's 3' end. VCF-style (leftmost placement, unchanged base first): chr14-21391010-CTTA-C. GRCh37 (hg19) VCF-style: chr14-21859169-CTTA-C.
Other names: c.7116_7118delTAA (NM_001170629.1); c.6276TAA[1], p.Asn2093del (NM_020920.4); short protein forms N2093del, N2372del.
Identifiers: ClinVar variation 1216641 (VCV001216641.8), dbSNP rs1395958904, ClinGen allele CA704110809.
Genomic context (GRCh38, chr14:21,391,010, plus strand): 5'-TTTCCCATTTCTAGAGTTAGCTGTCTGTACTGGTTCCATTCCCAAACAGTTCAATTCTGC[CTTA>C]TTATTTTTTTTACATCTTTGCCACTTCTGTTTTCTGCGATCCTCCATATACTGCAATAGA-3'